The following is an entry in ClinVar:

ClinVar aggregate classification (germline): Likely pathogenic (0 of 4 stars; one submission).

Conditions:
Frasier syndrome. Identifiers: Orphanet 347, MedGen C0950122, MeSH D052159, MONDO:0007635, OMIM 136680.

Submission:

Foundation for Research in Genetics and Endocrinology, FRIGE's Institute of Human Genetics
Classification: Likely pathogenic for Frasier syndrome. Last evaluated: 2018-07-18. Review status: no assertion criteria provided. Collection method: clinical testing. Allele origin: de novo. Inheritance: Autosomal dominant inheritance. Affected: yes. Observed: 1 heterozygote.
Comment: The observed variant c.896C>T (p.Ser299Phe) has not been reported in the 1000 Genomes and ExAC databases. The in silico predictions of the variant are damaging by MutationTaster2 and SIFT, and probably damaging by PolyPhen2.

NM_024426.6(WT1):c.911C>T (p.Ser304Phe)

Gene: WT1 (WT1 transcription factor; minus strand). Cytogenetic location: 11p13.
Variant type: single nucleotide variant.
Coding change: c.911C>T on transcript NM_024426.6 (MANE Select); coding-DNA position 911, C replaced by T.
Protein change: p.Ser304Phe; replaces serine 304 with phenylalanine.
Molecular consequence: missense variant. On other transcripts: non-coding transcript variant (1).
Genome position (GRCh38, 1-based): chr11:32,417,631, G>A on the plus strand (C>T on the coding strand, the complement: WT1 is on the minus strand). VCF-style: chr11-32417631-G-A. GRCh37 (hg19) VCF-style: chr11-32439177-G-A.
Other names: c.911C>T, p.Ser304Phe (NM_000378.6, NM_001407044.1, NM_001407045.1 and 4 more transcripts); c.260C>T, p.Ser87Phe (NM_001198551.2, NM_001198552.2); c.788C>T, p.Ser263Phe (NM_001407047.1, NM_001407050.1); c.149C>T, p.Ser50Phe (NM_001407051.1); c.896C>T, p.Ser299Phe (NM_024425.2); short protein forms S87F, S304F, S263F, S50F.
Identifiers: ClinVar variation 78338 (VCV000078338.3), dbSNP rs267602852, ClinGen allele CA219496211.
Genomic context (GRCh38, chr11:32,417,631, plus strand): 5'-CCTTACCCCTTTAAGGTGGCTCCTAAGTTCATCTGATTCCAGGTCATGCATTCAAGCTGG[G>A]ATGTCATTTGGTATAAATTGTCACTGTTAGAAAAACATCTAGAGTTAGAAACACATAACC-3'
Protein context (NP_077744.4, residues 294-314): YSSDNLYQMT[Ser304Phe]QLECMTWNQM